The following is an entry in ClinVar:

ClinVar aggregate classification (germline): Uncertain significance (1 of 4 stars; one submission).

gnomAD v4.1: 69 of 1,613,914 alleles (0.0043%); highest among the groups gnomAD compares: Non-Finnish European, 0.0053%; no homozygotes.

Submission:

Labcorp Genetics (formerly Invitae), Labcorp
Classification: Uncertain significance. Last evaluated: 2025-10-15. Review status: criteria provided, single submitter. Criteria: Invitae Variant Classification Sherloc (09022015). Collection method: clinical testing. Allele origin: germline.
Comment: This sequence change replaces alanine, which is neutral and non-polar, with valine, which is neutral and non-polar, at codon 236 of the SLC10A2 protein (p.Ala236Val). This variant is present in population databases (rs776680092, gnomAD 0.003%). This variant has not been reported in the literature in individuals affected with SLC10A2-related conditions. ClinVar contains an entry for this variant (Variation ID: 3697615). Invitae Evidence Modeling of protein sequence and biophysical properties (such as structural, functional, and spatial information, amino acid conservation, physicochemical variation, residue mobility, and thermodynamic stability) indicates that this missense variant is not expected to disrupt SLC10A2 protein function with a negative predictive value of 80%. Algorithms developed to predict the effect of sequence changes on RNA splicing suggest that this variant may create or strengthen a splice site. In summary, the available evidence is currently insufficient to determine the role of this variant in disease. Therefore, it has been classified as a Variant of Uncertain Significance.

NM_000452.3(SLC10A2):c.707C>T (p.Ala236Val)

Gene: SLC10A2 (solute carrier family 10 member 2; minus strand). Cytogenetic location: 13q33.1.
Variant type: single nucleotide variant.
Coding change: c.707C>T on transcript NM_000452.3 (MANE Select); coding-DNA position 707, C replaced by T.
Protein change: p.Ala236Val; replaces alanine 236 with valine.
Molecular consequence: missense variant.
Genome position (GRCh38, 1-based): chr13:103,051,311, G>A on the plus strand (C>T on the coding strand, the complement: SLC10A2 is on the minus strand). VCF-style: chr13-103051311-G-A. GRCh37 (hg19) VCF-style: chr13-103703661-G-A.
Other names: short protein forms A236V.
Identifiers: ClinVar variation 3697615 (VCV003697615.2).